The following is an entry in ClinVar:

ClinVar aggregate classification (germline): Uncertain significance (1 of 4 stars; one submission).

Conditions:
Multiple congenital anomalies-hypotonia-seizures syndrome 1 (MCAHS1). Also called: PIGN-CDG; Congenital disorder of glycosylation due to PIGN deficiency; GLYCOSYLPHOSPHATIDYLINOSITOL BIOSYNTHESIS DEFECT 3. Identifiers: Orphanet 280633, MedGen C3279775, MONDO:0013563, OMIM 614080.

Submission:

Labcorp Genetics (formerly Invitae), Labcorp
Classification: Uncertain significance for Multiple congenital anomalies-hypotonia-seizures syndrome 1. Last evaluated: 2022-05-31. Review status: criteria provided, single submitter. Criteria: Invitae Variant Classification Sherloc (09022015). Collection method: clinical testing. Allele origin: germline.
Comment: Algorithms developed to predict the effect of missense changes on protein structure and function are either unavailable or do not agree on the potential impact of this missense change (SIFT: "Not Available"; PolyPhen-2: "Probably Damaging"; Align-GVGD: "Not Available"). This sequence change replaces arginine, which is basic and polar, with threonine, which is neutral and polar, at codon 45 of the PIGN protein (p.Arg45Thr). This variant is not present in population databases (gnomAD no frequency). This variant has not been reported in the literature in individuals affected with PIGN-related conditions. In summary, the available evidence is currently insufficient to determine the role of this variant in disease. Therefore, it has been classified as a Variant of Uncertain Significance.

NM_176787.5(PIGN):c.134G>C (p.Arg45Thr)

Gene: PIGN (phosphatidylinositol glycan anchor biosynthesis class N; minus strand). Cytogenetic location: 18q21.33.
Variant type: single nucleotide variant.
Coding change: c.134G>C on transcript NM_176787.5 (MANE Select); coding-DNA position 134, G replaced by C.
Protein change: p.Arg45Thr; replaces arginine 45 with threonine.
Molecular consequence: missense variant.
Genome position (GRCh38, 1-based): chr18:62,161,220, C>G on the plus strand (G>C on the coding strand, the complement: PIGN is on the minus strand). VCF-style: chr18-62161220-C-G. GRCh37 (hg19) VCF-style: chr18-59828453-C-G.
Other names: c.134G>C, p.Arg45Thr (NM_012327.6); short protein forms R45T.
Identifiers: ClinVar variation 1996946 (VCV001996946.4), dbSNP rs2514386096, ClinGen allele CA402604487.